The following is an entry in ClinVar:

NM_006593.4(TBR1):c.1211T>C (p.Met404Thr)

Gene: TBR1 (T-box brain transcription factor 1; plus strand). Cytogenetic location: 2q24.2.
Variant type: single nucleotide variant.
Coding change: c.1211T>C on transcript NM_006593.4 (MANE Select); coding-DNA position 1211, T replaced by C.
Protein change: p.Met404Thr; replaces methionine 404 with threonine.
Molecular consequence: missense variant.
Genome position (GRCh38, 1-based): chr2:161,423,389, T>C. VCF-style: chr2-161423389-T-C. GRCh37 (hg19) VCF-style: chr2-162279900-T-C.
Other names: short protein forms M404T.
Identifiers: ClinVar variation 3381445 (VCV003381445.1).

ClinVar aggregate classification (germline): Uncertain significance (1 of 4 stars; one submission).

gnomAD v4.1: 3 of 1,406,872 alleles (0.00021%); highest among the groups gnomAD compares: Non-Finnish European, 0.00028%; no homozygotes.

Submission:

GeneDx
Classification: Uncertain significance. Last evaluated: 2024-05-22. Review status: criteria provided, single submitter. Criteria: GeneDx Variant Classification Process June 2021. Collection method: clinical testing. Allele origin: germline. Affected: yes.
Comment: Not observed at significant frequency in large population cohorts (gnomAD); In silico analysis indicates that this missense variant does not alter protein structure/function; Has not been previously published as pathogenic or benign to our knowledge